The following is an entry in ClinVar:

NM_021930.6(RINT1):c.657C>A (p.Phe219Leu)

Gene: RINT1 (RAD50 interactor 1; plus strand). Cytogenetic location: 7q22.3.
Variant type: single nucleotide variant.
Coding change: c.657C>A on transcript NM_021930.6 (MANE Select); coding-DNA position 657, C replaced by A.
Protein change: p.Phe219Leu; replaces phenylalanine 219 with leucine.
Molecular consequence: missense variant. On other transcripts: 5 prime UTR variant (2), non-coding transcript variant (1), intron variant (1).
Genome position (GRCh38, 1-based): chr7:105,547,051, C>A. VCF-style: chr7-105547051-C-A. GRCh37 (hg19) VCF-style: chr7-105187498-C-A.
Other names: c.423C>A, p.Phe141Leu (NM_001346599.2); c.-363C>A (NM_001346600.2); c.-266C>A (NM_001346601.2); c.-27-3004C>A (NM_001346603.2); c.657C>A (NM_021930.4); short protein forms F141L, F219L.
Identifiers: ClinVar variation 1520433 (VCV001520433.7), dbSNP rs1172006463, ClinGen allele CA368805918.
Genomic context (GRCh38, chr7:105,547,051, plus strand): 5'-TAAACTTCAGGAATCATCTTGTACTCATCTTCTTGGTTTCATGAGAGCCACAGTTAAATT[C>A]TGGCATAAAATTCTCAAGGACAAGCTTACAAGGTAGGGAATTTACCCATATTTTGTGGTA-3'
Protein context (NP_068749.3, residues 209-229): LLGFMRATVK[Phe219Leu]WHKILKDKLT

ClinVar aggregate classification (germline): Uncertain significance. Review status: criteria provided, multiple submitters, no conflicts (2 of 4 stars). 2 submissions from 2 submitters: Uncertain significance (2). Last evaluated 2026-02-17.

gnomAD v4.1: 1 of 1,613,680 alleles (0.000062%); highest among the groups gnomAD compares: East Asian, 0.0022%; no homozygotes.

Submissions (2):

Ambry Genetics
Classification: Uncertain significance. Last evaluated: 2026-02-17. Review status: criteria provided, single submitter. Criteria: Ambry Variant Classification Scheme 2023. Collection method: clinical testing. Allele origin: germline.
Comment: The p.F219L variant (also known as c.657C>A), located in coding exon 5 of the RINT1 gene, results from a C to A substitution at nucleotide position 657. The phenylalanine at codon 219 is replaced by leucine, an amino acid with highly similar properties. This amino acid position is conserved. In addition, the in silico prediction for this alteration is inconclusive. Based on the available evidence, the clinical significance of this variant remains unclear.

Labcorp Genetics (formerly Invitae), Labcorp
Classification: Uncertain significance. Last evaluated: 2021-09-24. Review status: criteria provided, single submitter. Criteria: Invitae Variant Classification Sherloc (09022015). Collection method: clinical testing. Allele origin: germline.
Comment: This sequence change replaces phenylalanine with leucine at codon 219 of the RINT1 protein (p.Phe219Leu). The phenylalanine residue is highly conserved and there is a small physicochemical difference between phenylalanine and leucine. This variant is not present in population databases (ExAC no frequency). This variant has not been reported in the literature in individuals affected with RINT1-related conditions. Algorithms developed to predict the effect of missense changes on protein structure and function are either unavailable or do not agree on the potential impact of this missense change (SIFT: "Deleterious"; PolyPhen-2: "Benign"; Align-GVGD: "Class C0"). In summary, the available evidence is currently insufficient to determine the role of this variant in disease. Therefore, it has been classified as a Variant of Uncertain Significance.